The following is an entry in ClinVar:

NC_000008.10:g.(?_30982018)_(30990042_?)del

Gene: WRN (WRN RecQ like helicase; plus strand). Cytogenetic location: 8p12.
Variant type: Deletion.
Identifiers: ClinVar variation 3245418 (VCV003245418.1).

ClinVar aggregate classification (germline): Pathogenic (1 of 4 stars; one submission).

Conditions:
Werner syndrome (WRN). Identifiers: Orphanet 902, MedGen C0043119, MONDO:0010196, OMIM 277700.

Submission:

Labcorp Genetics (formerly Invitae), Labcorp
Classification: Pathogenic for Werner syndrome. Last evaluated: 2022-12-16. Review status: criteria provided, single submitter. Criteria: Invitae Variant Classification Sherloc (09022015). Collection method: clinical testing. Allele origin: unknown.
Comment: For these reasons, this variant has been classified as Pathogenic. This variant has not been reported in the literature in individuals affected with WRN-related conditions. This variant is a gross deletion of the genomic region encompassing exon(s) 22-24 of the WRN gene. This deletion is out-of-frame, and is expected to create a premature termination codon and result in an absent or disrupted protein product. Loss-of-function variants in WRN are known to be pathogenic (PMID: 16673358).

Literature cited by the submitters: PubMed 16673358.